The following is an entry in ClinVar:

ClinVar aggregate classification (germline): Uncertain significance (1 of 4 stars; one submission).

Submission:

Labcorp Genetics (formerly Invitae), Labcorp
Classification: Uncertain significance. Last evaluated: 2025-02-09. Review status: criteria provided, single submitter. Criteria: Invitae Variant Classification Sherloc (09022015). Collection method: clinical testing. Allele origin: germline.
Comment: This sequence change affects codon 121 of the THAP11 mRNA. It is a 'silent' change, meaning that it does not change the encoded amino acid sequence of the THAP11 protein. This variant is not present in population databases (gnomAD no frequency). This variant has not been reported in the literature in individuals affected with THAP11-related conditions. Experimental studies and prediction algorithms are not available or were not evaluated, and the effect of this variant on mRNA splicing is currently unknown. In summary, the available evidence is currently insufficient to determine the role of this variant in disease. Therefore, it has been classified as a Variant of Uncertain Significance.

NM_020457.3(THAP11):c.363G>A (p.Gln121=)

Genes: CENPT (centromere protein T; minus strand), THAP11 (THAP domain containing 11; plus strand). Cytogenetic location: 16q22.1.
Variant type: single nucleotide variant.
Coding change: c.363G>A on transcript NM_020457.3 (MANE Select); coding-DNA position 363, G replaced by A.
Protein change: p.Gln121=; no amino-acid change (glutamine 121 retained).
Molecular consequence: synonymous variant. On other transcripts: intron variant (1).
Genome position (GRCh38, 1-based): chr16:67,842,917, G>A. VCF-style: chr16-67842917-G-A. GRCh37 (hg19) VCF-style: chr16-67876820-G-A.
Other names: c.-492+4484C>T (NM_025082.4).
Identifiers: ClinVar variation 3718224 (VCV003718224.2).